The following is an entry in ClinVar:

NM_206933.4(USH2A):c.9461C>T (p.Ala3154Val)

Gene: USH2A (usherin; minus strand). Cytogenetic location: 1q41.
Variant type: single nucleotide variant.
Coding change: c.9461C>T on transcript NM_206933.4 (MANE Select); coding-DNA position 9461, C replaced by T.
Protein change: p.Ala3154Val; replaces alanine 3154 with valine.
Molecular consequence: missense variant.
Genome position (GRCh38, 1-based): chr1:215,817,106, G>A on the plus strand (C>T on the coding strand, the complement: USH2A is on the minus strand). VCF-style: chr1-215817106-G-A. GRCh37 (hg19) VCF-style: chr1-215990448-G-A.
Other names: short protein forms A3154V.
Identifiers: ClinVar variation 1009023 (VCV001009023.6), dbSNP rs1662879866, ClinGen allele CA344824948.

ClinVar aggregate classification (germline): Uncertain significance (1 of 4 stars; one submission).

Submission:

Labcorp Genetics (formerly Invitae), Labcorp
Classification: Uncertain significance. Last evaluated: 2020-10-18. Review status: criteria provided, single submitter. Criteria: Invitae Variant Classification Sherloc (09022015). Collection method: clinical testing. Allele origin: germline.
Comment: In summary, the available evidence is currently insufficient to determine the role of this variant in disease. Therefore, it has been classified as a Variant of Uncertain Significance. Algorithms developed to predict the effect of missense changes on protein structure and function (SIFT, PolyPhen-2, Align-GVGD) all suggest that this variant is likely to be tolerated, but these predictions have not been confirmed by published functional studies and their clinical significance is uncertain. This variant has not been reported in the literature in individuals with USH2A-related conditions. This variant is not present in population databases (ExAC no frequency). This sequence change replaces alanine with valine at codon 3154 of the USH2A protein (p.Ala3154Val). The alanine residue is weakly conserved and there is a small physicochemical difference between alanine and valine.